The following is an entry in ClinVar:

ClinVar aggregate classification (germline): Uncertain significance (1 of 4 stars; one submission).

Conditions:
Autosomal dominant spastic paraplegia type 9. Identifiers: MedGen C1832669, MONDO:0015091.
de Barsy syndrome. Also called: Cutis laxa-corneal clouding-oligophrenia syndrome. Identifiers: Orphanet 2962, MedGen C0268354, MONDO:0017569.
Cutis laxa, autosomal dominant 3 (ADCL3). Identifiers: Orphanet 90348, MedGen C4225268, MONDO:0014706, OMIM 616603.

Allele frequency attached by ClinVar (database versions not stated): gnomAD exomes below 0.00001.
gnomAD v4.1: 2 of 1,614,210 alleles (0.00012%); highest among the groups gnomAD compares: South Asian, 0.0011%; no homozygotes.

Submission:

Labcorp Genetics (formerly Invitae), Labcorp
Classification: Uncertain significance for Autosomal dominant spastic paraplegia type 9; de Barsy syndrome; Cutis laxa, autosomal dominant 3. Last evaluated: 2023-10-03. Review status: criteria provided, single submitter. Criteria: Invitae Variant Classification Sherloc (09022015). Collection method: clinical testing. Allele origin: germline.
Comment: This sequence change replaces serine, which is neutral and polar, with leucine, which is neutral and non-polar, at codon 143 of the ALDH18A1 protein (p.Ser143Leu). This variant is present in population databases (no rsID available, gnomAD 0.004%). This variant has not been reported in the literature in individuals affected with ALDH18A1-related conditions. ClinVar contains an entry for this variant (Variation ID: 581031). Advanced modeling of protein sequence and biophysical properties (such as structural, functional, and spatial information, amino acid conservation, physicochemical variation, residue mobility, and thermodynamic stability) performed at Invitae indicates that this missense variant is not expected to disrupt ALDH18A1 protein function. In summary, the available evidence is currently insufficient to determine the role of this variant in disease. Therefore, it has been classified as a Variant of Uncertain Significance.

NM_002860.4(ALDH18A1):c.428C>T (p.Ser143Leu)

Gene: ALDH18A1 (aldehyde dehydrogenase 18 family member A1; minus strand). Cytogenetic location: 10q24.1.
Variant type: single nucleotide variant.
Coding change: c.428C>T on transcript NM_002860.4 (MANE Select); coding-DNA position 428, C replaced by T.
Protein change: p.Ser143Leu; replaces serine 143 with leucine.
Molecular consequence: missense variant. On other transcripts: intron variant (1).
Genome position (GRCh38, 1-based): chr10:95,637,312, G>A on the plus strand (C>T on the coding strand, the complement: ALDH18A1 is on the minus strand). VCF-style: chr10-95637312-G-A. GRCh37 (hg19) VCF-style: chr10-97397069-G-A.
Other names: c.428C>T, p.Ser143Leu (NM_001017423.2, NM_001323413.2, NM_001323414.2 and 2 more transcripts); c.95C>T, p.Ser32Leu (NM_001323412.2, NM_001323416.2, NM_001323418.2); c.-78-3663C>T (NM_001323419.2); short protein forms S143L, S32L.
Identifiers: ClinVar variation 581031 (VCV000581031.11), dbSNP rs1302919102, ClinGen allele CA377706645.